The following is an entry in ClinVar:

ClinVar aggregate classification (germline): Uncertain significance (1 of 4 stars; one submission).

Conditions:
Hereditary cancer-predisposing syndrome. Also called: Neoplastic Syndromes, Hereditary; Tumor predisposition; Hereditary neoplastic syndrome; Hereditary Cancer Syndrome. Identifiers: Orphanet 140162, MedGen C0027672, MeSH D009386, MONDO:0015356.

Submission:

Ambry Genetics
Classification: Uncertain significance for Hereditary cancer-predisposing syndrome. Last evaluated: 2026-07-07. Review status: criteria provided, single submitter. Criteria: Ambry Variant Classification Scheme 2023. Collection method: clinical testing. Allele origin: germline.
Comment: The p.T365P variant (also known as c.1093A>C), located in coding exon 6 of the PDGFRA gene, results from an A to C substitution at nucleotide position 1093. The threonine at codon 365 is replaced by proline, an amino acid with highly similar properties. This amino acid position is conserved. In addition, the in silico prediction for this alteration is inconclusive. Based on the available evidence, the clinical significance of this variant remains unclear.

NM_006206.6(PDGFRA):c.1093A>C (p.Thr365Pro)

Gene: PDGFRA (platelet derived growth factor receptor alpha; plus strand). Cytogenetic location: 4q12.
Variant type: single nucleotide variant.
Coding change: c.1093A>C on transcript NM_006206.6 (MANE Select); coding-DNA position 1093, A replaced by C.
Protein change: p.Thr365Pro; replaces threonine 365 with proline.
Molecular consequence: missense variant.
Genome position (GRCh38, 1-based): chr4:54,267,713, A>C. VCF-style: chr4-54267713-A-C. GRCh37 (hg19) VCF-style: chr4-55133880-A-C.
Other names: c.1093A>C, p.Thr365Pro (NM_001347827.2, NM_001347829.2); c.1168A>C, p.Thr390Pro (NM_001347828.2); c.1132A>C, p.Thr378Pro (NM_001347830.2); short protein forms T365P, T390P, T378P.
Identifiers: ClinVar variation 5026429 (VCV005026429.1).